The following is an entry in ClinVar:

ClinVar aggregate classification (germline): Pathogenic (1 of 4 stars; one submission).

Submission:

Labcorp Genetics (formerly Invitae), Labcorp
Classification: Pathogenic. Last evaluated: 2023-02-09. Review status: criteria provided, single submitter. Criteria: Invitae Variant Classification Sherloc (09022015). Collection method: clinical testing. Allele origin: unknown.
Comment: This variant is a gross deletion of the genomic region encompassing exon(s) 3-6 of the SLC19A2 gene, which includes the termination codon. This deletion extends beyond the assayed region for this gene and therefore may encompass additional genes. While this deletion is not anticipated to lead to nonsense mediated decay, it is expected to alter mRNA translation or result in a truncated protein product. This variant has not been reported in the literature in individuals affected with SLC19A2-related conditions. This variant disrupts a region of the SLC19A2 protein in which other variant(s) (p.Gly334Asp) have been determined to be pathogenic (PMID: 19643445, 28004468, 33649974). This suggests that this is a clinically significant region of the protein, and that variants that disrupt it are likely to be disease-causing. For these reasons, this variant has been classified as Pathogenic.

Literature cited by the submitters: PubMed 19643445; PubMed 28004468; PubMed 33649974.

NC_000001.10:g.(?_169435087)_(169439444_?)del

Gene: SLC19A2 (solute carrier family 19 member 2; minus strand). Cytogenetic location: 1q24.2.
Variant type: Deletion.
Identifiers: ClinVar variation 3247982 (VCV003247982.1).